The following is an entry in ClinVar:

NM_000535.7(PMS2):c.351del (p.Ser118fs)

Gene: PMS2 (PMS1 homolog 2, mismatch repair system component; minus strand). Cytogenetic location: 7p22.1.
Variant type: Deletion.
Coding change: c.351del on transcript NM_000535.7 (MANE Select); coding-DNA position 351, one base deleted (G; older notation c.351delG).
Protein change: p.Ser118fs; shifts the reading frame from serine 118.
Molecular consequence: frameshift variant. On other transcripts: 5 prime UTR variant (24), non-coding transcript variant (1), intron variant (22).
Genome position (GRCh38, 1-based): chr7:6,003,692, C deleted on the plus strand (G on the coding strand, the reverse complement: PMS2 is on the minus strand). VCF-style (leftmost placement, unchanged base first): chr7-6003691-TC-T. GRCh37 (hg19) VCF-style: chr7-6043322-TC-T.
Other names: c.-55delG (NM_001018040.1); c.-55del (NM_001322003.2, NM_001322004.2, NM_001322005.2 and 13 more transcripts); c.351del, p.Ser118fs (NM_001322006.2, NM_001322014.2, NM_001406869.1 and 8 more transcripts); c.-534del (NM_001322011.2, NM_001322012.2); c.-134del (NM_001322015.2, NM_001406875.1, NM_001406877.1 and 3 more transcripts); c.537del, p.Ser180fs (NM_001406866.1); c.375del, p.Ser126fs (NM_001406868.1); c.35+280del (NM_001322008.2, NM_001406902.1, NM_001406883.1 and 4 more transcripts); and 6 more; short protein forms S118fs, S126fs, S180fs.
Identifiers: ClinVar variation 2566069 (VCV002566069.5), dbSNP rs2536493517, ClinGen allele CA2580615886.

ClinVar aggregate classification (germline): Pathogenic. Review status: criteria provided, multiple submitters, no conflicts (2 of 4 stars). 4 submissions from 4 submitters: Pathogenic (4). Last evaluated 2025-05-11.

Conditions:
Hereditary nonpolyposis colorectal neoplasms. Identifiers: MedGen C0009405, MeSH D003123.
Inherited MMR deficiency (Lynch syndrome).
Hereditary cancer-predisposing syndrome. Also called: Neoplastic Syndromes, Hereditary; Hereditary Cancer Syndrome; Hereditary neoplastic syndrome; Tumor predisposition. Identifiers: Orphanet 140162, MedGen C0027672, MeSH D009386, MONDO:0015356.
Lynch syndrome 4 (LYNCH4). Also called: Colorectal cancer, hereditary nonpolyposis, type 4; Hereditary non-polyposis colorectal cancer, type 4. Identifiers: Orphanet 144, MedGen C1838333, MONDO:0013699, OMIM 614337. Disease mechanism: loss of function.

Allele frequency attached by ClinVar (database versions not stated): gnomAD exomes below 0.00001.

Submissions (4):

Labcorp Genetics (formerly Invitae), Labcorp
Classification: Pathogenic for Hereditary nonpolyposis colorectal neoplasms. Last evaluated: 2025-05-11. Review status: criteria provided, single submitter. Criteria: Invitae Variant Classification Sherloc (09022015). Collection method: clinical testing. Allele origin: germline.
Comment: This sequence change creates a premature translational stop signal (p.Ser118Alafs*18) in the PMS2 gene. RNA analysis indicates that this premature translational stop signal induces altered splicing and may result in an absent or altered protein product. This variant is not present in population databases (gnomAD no frequency). This variant has not been reported in the literature in individuals affected with PMS2-related conditions. ClinVar contains an entry for this variant (Variation ID: 2566069). Studies have shown that this premature translational stop signal results in activation of a cryptic splice site, and produces a non-functional protein and/or introduces a premature termination codon (internal data). For these reasons, this variant has been classified as Pathogenic.

Cambridge Genomics Laboratory, East Genomic Laboratory Hub, NHS Genomic Medicine Service
Classification: Pathogenic for Inherited MMR deficiency (Lynch syndrome). Last evaluated: 2025-02-28. Review status: criteria provided, single submitter. Criteria: ACGS Best Practice Guidelines for Variant Classification in Rare Disease 2020. Collection method: clinical testing. Allele origin: germline. Affected: yes.
Comment: PVS1,PM2_Supporting,PP4

Myriad Genetics, Inc.
Classification: Pathogenic for Lynch syndrome 4. Last evaluated: 2023-09-18. Review status: criteria provided, single submitter. Criteria: Myriad Autosomal Dominant, Autosomal Recessive and X-Linked Classification Criteria (2023). Collection method: clinical testing. Allele origin: unknown.
Comment: This variant is considered pathogenic. This variant creates a frameshift predicted to result in premature protein truncation.

Ambry Genetics
Classification: Pathogenic for Hereditary cancer-predisposing syndrome. Last evaluated: 2023-04-12. Review status: criteria provided, single submitter. Criteria: Ambry Variant Classification Scheme 2023. Collection method: clinical testing. Allele origin: germline.
Comment: The c.351delG pathogenic mutation, located in coding exon 4 of the PMS2 gene, results from a deletion of one nucleotide at nucleotide position 351, causing a translational frameshift with a predicted alternate stop codon (p.S118Afs*18). This variant is considered to be rare based on population cohorts in the Genome Aggregation Database (gnomAD). This alteration is expected to result in loss of function by premature protein truncation or nonsense-mediated mRNA decay. As such, this alteration is interpreted as a disease-causing mutation.